The following is an entry in ClinVar:

ClinVar aggregate classification (germline): Uncertain significance. Review status: criteria provided, multiple submitters, no conflicts (2 of 4 stars). 2 submissions from 2 submitters: Uncertain significance (2). Last evaluated 2026-05-20.

Conditions:
Immunodeficiency 82 with systemic inflammation. Identifiers: Orphanet 695807, MedGen C5543581, MONDO:0030308, OMIM 619381.

Allele frequency attached by ClinVar (database versions not stated): gnomAD exomes 0.00001.
gnomAD v4.1: 4 of 1,613,640 alleles (0.00025%); highest among the groups gnomAD compares: Admixed American, 0.0067%; no homozygotes.

Submissions (2):

Ambry Genetics
Classification: Uncertain significance. Last evaluated: 2026-05-20. Review status: criteria provided, single submitter. Criteria: Ambry Variant Classification Scheme 2023. Collection method: clinical testing. Allele origin: germline.

3billion
Classification: Uncertain significance for Immunodeficiency 82 with systemic inflammation. Last evaluated: 2022-05-22. Review status: criteria provided, single submitter. Criteria: ACMG Guidelines, 2015. Collection method: clinical testing. Allele origin: germline. Affected: yes. Observed: 1 heterozygote.
Comment: The variant is not observed in the gnomAD v2.1.1 dataset. Missense changes are a common disease-causing mechanism. Therefore, this variant is classified as uncertain significanceaccording to the recommendation of ACMG/AMP guideline.

NM_003177.7(SYK):c.1417G>C (p.Glu473Gln)

Gene: SYK (spleen associated tyrosine kinase; plus strand). Cytogenetic location: 9q22.2.
Variant type: single nucleotide variant.
Coding change: c.1417G>C on transcript NM_003177.7 (MANE Select); coding-DNA position 1417, G replaced by C.
Protein change: p.Glu473Gln; replaces glutamic acid 473 with glutamine.
Molecular consequence: missense variant.
Genome position (GRCh38, 1-based): chr9:90,878,789, G>C. VCF-style: chr9-90878789-G-C. GRCh37 (hg19) VCF-style: chr9-93641071-G-C.
Other names: c.1348G>C, p.Glu450Gln (NM_001135052.4, NM_001174168.3); c.1417G>C, p.Glu473Gln (NM_001174167.3); c.1417G>C (NM_003177.5); short protein forms E450Q, E473Q.
Identifiers: ClinVar variation 1687481 (VCV001687481.2), dbSNP rs2118893859, ClinGen allele CA373802533.